The following is an entry in ClinVar:

NM_018699.4(PRDM5):c.1805C>G (p.Ala602Gly)

Gene: PRDM5 (PR/SET domain 5; minus strand). Cytogenetic location: 4q27.
Variant type: single nucleotide variant.
Coding change: c.1805C>G on transcript NM_018699.4 (MANE Select); coding-DNA position 1805, C replaced by G.
Protein change: p.Ala602Gly; replaces alanine 602 with glycine.
Molecular consequence: missense variant. On other transcripts: 3 prime UTR variant (1).
Genome position (GRCh38, 1-based): chr4:120,695,199, G>C on the plus strand (C>G on the coding strand, the complement: PRDM5 is on the minus strand). VCF-style: chr4-120695199-G-C. GRCh37 (hg19) VCF-style: chr4-121616354-G-C.
Other names: c.1712C>G, p.Ala571Gly (NM_001300823.2); c.*120C>G (NM_001300824.2); c.1838C>G, p.Ala613Gly (NM_001379104.1); c.1607C>G, p.Ala536Gly (NM_001379106.1); short protein forms A602G, A536G, A571G, A613G.
Identifiers: ClinVar variation 2073145 (VCV002073145.4), dbSNP rs2529716884, ClinGen allele CA358206499.
Genomic context (GRCh38, chr4:120,695,199, plus strand): 5'-TCCATGTGCACTTTGAGGTAGTCATTCCTTGTAAACTTCTTATGGCAAAACTGGCATTCT[G>C]CCAGGGGACGATTGGGATTATGAGTCATCTTGTGTCGAATCAGCATTTTCTTCAGGCTAA-3'
Protein context (NP_061169.2, residues 592-612): KMTHNPNRPL[Ala602Gly]ECQFCHKKFT

ClinVar aggregate classification (germline): Uncertain significance (1 of 4 stars; one submission).

Allele frequency attached by ClinVar (database versions not stated): gnomAD exomes below 0.00001.
gnomAD v4.1: 1 of 1,613,614 alleles (0.000062%); highest among the groups gnomAD compares: Non-Finnish European, 0.000085%; no homozygotes.

Submission:

Labcorp Genetics (formerly Invitae), Labcorp
Classification: Uncertain significance. Last evaluated: 2022-01-03. Review status: criteria provided, single submitter. Criteria: Invitae Variant Classification Sherloc (09022015). Collection method: clinical testing. Allele origin: germline.
Comment: In summary, the available evidence is currently insufficient to determine the role of this variant in disease. Therefore, it has been classified as a Variant of Uncertain Significance. Algorithms developed to predict the effect of missense changes on protein structure and function are either unavailable or do not agree on the potential impact of this missense change (SIFT: "Deleterious"; PolyPhen-2: "Probably Damaging"; Align-GVGD: "Class C0"). This variant has not been reported in the literature in individuals affected with PRDM5-related conditions. This variant is not present in population databases (gnomAD no frequency). This sequence change replaces alanine, which is neutral and non-polar, with glycine, which is neutral and non-polar, at codon 602 of the PRDM5 protein (p.Ala602Gly).